The following is an entry in ClinVar:

ClinVar aggregate classification (germline): Conflicting classifications of pathogenicity. Review status: criteria provided, conflicting classifications (1 of 4 stars). 2 submissions from 1 submitter: Uncertain significance (1); Likely benign (1). Last evaluated 2018-01-13.

Conditions:
Leydig cell agenesis. Also called: LEYDIG CELL HYPOPLASIA WITH MALE PSEUDOHERMAPHRODITISM; LEYDIG CELL HYPOPLASIA, COMPLETE; Leydig cell hypoplasia, type 1; HYPERGONADOTROPIC HYPOGONADISM, MALE, DUE TO LHCGR DEFECT. Identifiers: MedGen C0266432, MONDO:0009384, OMIM 238320.
Gonadotropin-independent familial sexual precocity. Also called: Familial male-limited precocious puberty; TESTOTOXICOSIS, FAMILIAL. Identifiers: Orphanet 3000, MedGen C0342549, MONDO:0008303, OMIM 176410.

Allele frequency attached by ClinVar (database versions not stated): gnomAD exomes 0.00001; ExAC 0.00002; TOPMed 0.00002; gnomAD 0.00003; ESP Exome Variant Server 0.00008.
gnomAD v4.1: 26 of 1,614,042 alleles (0.0016%); highest among the groups gnomAD compares: Non-Finnish European, 0.0021%; no homozygotes.

Submissions (2):

Illumina Laboratory Services, Illumina
Classification: Likely benign for Gonadotropin-independent familial sexual precocity. Last evaluated: 2018-01-13. Review status: criteria provided, single submitter. Criteria: ICSL Variant Classification Criteria 13 December 2019. Collection method: clinical testing. Allele origin: germline.
Comment: This variant was observed in the ICSL laboratory as part of a predisposition screen in an ostensibly healthy population. It had not been previously curated by ICSL or reported in the Human Gene Mutation Database (HGMD: prior to June 1st, 2018), and was therefore a candidate for classification through an automated scoring system. Utilizing variant allele frequency, disease prevalence and penetrance estimates, and inheritance mode, an automated score was calculated to assess if this variant is too frequent to cause the disease. Based on the score and internal cut-off values, a variant classified as likely benign is not then subjected to further curation. The score for this variant resulted in a classification of likely benign for this disease.

Illumina Laboratory Services, Illumina
Classification: Uncertain significance for Leydig cell agenesis. Last evaluated: 2018-01-13. Review status: criteria provided, single submitter. Criteria: ICSL Variant Classification Criteria 13 December 2019. Collection method: clinical testing. Allele origin: germline.

NM_000233.4(LHCGR):c.1752T>C (p.Pro584=)

Genes: STON1-GTF2A1L (STON1-GTF2A1L readthrough; plus strand), LHCGR (luteinizing hormone/choriogonadotropin receptor; minus strand). Cytogenetic location: 2p16.3.
Variant type: single nucleotide variant.
Coding change: c.1752T>C on transcript NM_000233.4 (MANE Select); coding-DNA position 1752, T replaced by C.
Protein change: p.Pro584=; no amino-acid change (proline 584 retained).
Molecular consequence: synonymous variant. On other transcripts: intron variant (1).
Genome position (GRCh38, 1-based): chr2:48,688,045, A>G on the plus strand (T>C on the coding strand, the complement: LHCGR is on the minus strand). VCF-style: chr2-48688045-A-G. GRCh37 (hg19) VCF-style: chr2-48915184-A-G.
Other names: c.3441+16365A>G (NM_001198593.2).
Identifiers: ClinVar variation 897484 (VCV000897484.4), dbSNP rs377665383, ClinGen allele CA1652995.